The following is an entry in ClinVar:

NM_020435.4(GJC2):c.1249G>C (p.Ala417Pro)

Gene: GJC2 (gap junction protein gamma 2; plus strand). Cytogenetic location: 1q42.13.
Variant type: single nucleotide variant.
Coding change: c.1249G>C on transcript NM_020435.4 (MANE Select); coding-DNA position 1249, G replaced by C.
Protein change: p.Ala417Pro; replaces alanine 417 with proline.
Molecular consequence: missense variant.
Genome position (GRCh38, 1-based): chr1:228,159,007, G>C. VCF-style: chr1-228159007-G-C. GRCh37 (hg19) VCF-style: chr1-228346708-G-C.
Other names: short protein forms A417P.
Identifiers: ClinVar variation 2730284 (VCV002730284.3), dbSNP rs1303972896, ClinGen allele CA345100842.
Genomic context (GRCh38, chr1:228,159,007, plus strand): 5'-GCTACCTCTGCGGGCACTGTCGGGGAGCAGGGCCGGCCCGGCACCCACGAGCGGCCAGGA[G>C]CCAAGCCCAGGGCTGGCTCCGAGAAGGGCAGTGCCAGCAGCAGGGACGGGAAGACCACCG-3'
Protein context (NP_065168.2, residues 407-427): GRPGTHERPG[Ala417Pro]KPRAGSEKGS

ClinVar aggregate classification (germline): Uncertain significance (1 of 4 stars; one submission).

Conditions:
Spastic paraplegia. Identifiers: MedGen C0037772, HP:0001258.

Submission:

Labcorp Genetics (formerly Invitae), Labcorp
Classification: Uncertain significance for Spastic paraplegia. Last evaluated: 2023-06-20. Review status: criteria provided, single submitter. Criteria: Invitae Variant Classification Sherloc (09022015). Collection method: clinical testing. Allele origin: germline.
Comment: This sequence change replaces alanine, which is neutral and non-polar, with proline, which is neutral and non-polar, at codon 417 of the GJC2 protein (p.Ala417Pro). In summary, the available evidence is currently insufficient to determine the role of this variant in disease. Therefore, it has been classified as a Variant of Uncertain Significance. Advanced modeling of protein sequence and biophysical properties (such as structural, functional, and spatial information, amino acid conservation, physicochemical variation, residue mobility, and thermodynamic stability) has been performed at Invitae for this missense variant, however the output from this modeling did not meet the statistical confidence thresholds required to predict the impact of this variant on GJC2 protein function. This variant has not been reported in the literature in individuals affected with GJC2-related conditions. This variant is not present in population databases (gnomAD no frequency).